The following is an entry in ClinVar:

ClinVar aggregate classification (germline): Pathogenic (1 of 4 stars; one submission).

Allele frequency attached by ClinVar (database versions not stated): gnomAD exomes below 0.00001 and 0.00001; ExAC 0.00002; TOPMed 0.00002; gnomAD 0.00004.
gnomAD v4.1: 9 of 1,613,862 alleles (0.00056%); highest among the groups gnomAD compares: African/African-American, 0.0093%; no homozygotes.

Submission:

GeneDx
Classification: Pathogenic. Last evaluated: 2024-04-18. Review status: criteria provided, single submitter. Criteria: GeneDx Variant Classification Process June 2021. Collection method: clinical testing. Allele origin: germline. Affected: yes.
Comment: Nonsense variant predicted to result in protein truncation, as the last 313 amino acids are lost, and other loss-of-function variants have been reported downstream in HGMD; Has not been previously published as pathogenic or benign to our knowledge

NM_002016.2(FLG):c.11246C>G (p.Ser3749Ter)

Genes: CCDST (cervical cancer associated DHX9 suppressive transcript; plus strand), FLG (filaggrin; minus strand). Cytogenetic location: 1q21.3.
Variant type: single nucleotide variant.
Coding change: c.11246C>G on transcript NM_002016.2 (MANE Select); coding-DNA position 11246, C replaced by G.
Protein change: p.Ser3749Ter; replaces serine 3749 with a stop codon.
Molecular consequence: nonsense.
Genome position (GRCh38, 1-based): chr1:152,303,640, G>C on the plus strand (C>G on the coding strand, the complement: FLG is on the minus strand). VCF-style: chr1-152303640-G-C. GRCh37 (hg19) VCF-style: chr1-152276116-G-C.
Other names: short protein forms S3749*.
Identifiers: ClinVar variation 280591 (VCV000280591.3), dbSNP rs774129089, ClinGen allele CA1102981.